The following is an entry in ClinVar:

NC_000023.10:g.(?_32429849)_(33038337_?)dup

Gene: DMD (dystrophin; minus strand). Cytogenetic location: Xp21.1.
Variant type: Duplication.
Identifiers: ClinVar variation 455835 (VCV000455835.8).

ClinVar aggregate classification (germline): Pathogenic (1 of 4 stars; one submission).

Conditions:
Duchenne muscular dystrophy (DMD). Also called: MUSCULAR DYSTROPHY, PSEUDOHYPERTROPHIC PROGRESSIVE, DUCHENNE TYPE; Duchenne Muscular Dystrophy (DMD). Identifiers: Orphanet 98896, MedGen C0013264, MONDO:0010679, OMIM 310200.

Submission:

Labcorp Genetics (formerly Invitae), Labcorp
Classification: Pathogenic for Duchenne muscular dystrophy. Last evaluated: 2021-03-23. Review status: criteria provided, single submitter. Criteria: Invitae Variant Classification Sherloc (09022015). Collection method: clinical testing. Allele origin: germline.
Comment: For these reasons, this variant has been classified as Pathogenic. A similar copy number variant has been observed in individual(s) with Duchenne muscular dystrophy (PMID: 19837995, 31705731). This variant results in a copy number gain of the genomic region encompassing exon(s) 2-30 of the DMD gene. While the exact position of this variant cannot be determined from the data, sub-genic copy number gains are generally in tandem (PMID: 25640679). This variant is predicted to be out-of-frame, and may result in an absent or disrupted protein product. Loss-of-function variants in DMD are known to be pathogenic (PMID: 16770791, 25007885).

Literature cited by the submitters: PubMed 19837995; PubMed 31705731; PubMed 25640679; PubMed 16770791; PubMed 25007885.